The following continues an entry in ClinVar:

NM_000051.4(ATM):c.7328G>A (p.Arg2443Gln)

ClinVar aggregate classification (germline): Conflicting classifications of pathogenicity. Likely pathogenic (4); Uncertain significance (12).

Submissions 7 to 16 of 16:

Color Diagnostics, LLC DBA Color Health
Classification: Uncertain significance for Hereditary cancer-predisposing syndrome. Last evaluated: 2025-06-13. Review status: criteria provided, single submitter. Criteria: ACMG Guidelines, 2015. Collection method: clinical testing. Allele origin: germline.
Comment: This missense variant replaces arginine with glutamine at codon 2443 of the ATM protein. Computational prediction suggests that this variant may not impact protein structure and function. To our knowledge, functional studies have not been reported for this variant. This variant has been observed in the compound heterozygous state in individuals affected with Ataxia-Telangiectasia (PMID: 37438524, 38570878ClinVar Accession: SCV000292481.14). This variant has also been reported in an individual affected with breast cancer (PMID: 29522266) and an individual affected with either hereditary breast and ovarian cancer or hereditary nonpolyposis colorectal cancer (PMID: 32522261). This variant has been identified in 3/282544 chromosomes in the general population by the Genome Aggregation Database (gnomAD). Although there is suspicion that this variant may be associated with disease, additional studies are necessary to determine the role of this variant in disease conclusively. Therefore, this variant is classified as a Variant of Uncertain Significance.

Revvity Omics, Revvity
Classification: Uncertain significance for Ataxia-telangiectasia syndrome. Last evaluated: 2025-04-15. Review status: criteria provided, single submitter. Criteria: ACMG Guidelines, 2015. Collection method: clinical testing. Allele origin: germline.

Myriad Genetics, Inc.
Classification: Likely pathogenic for Familial cancer of breast. Last evaluated: 2025-02-07. Review status: criteria provided, single submitter. Criteria: Myriad Autosomal Dominant, Autosomal Recessive and X-Linked Classification Criteria (2023). Collection method: clinical testing. Allele origin: unknown.
Comment: This variant is considered likely pathogenic. This variant has been reported in multiple individuals with clinical features of gene-specific disease [PMID: 32366930, 38570878, 38843839, Myriad internal data].

CeGaT Center for Human Genetics Tuebingen
Classification: Uncertain significance. Last evaluated: 2025-02-01. Review status: criteria provided, single submitter. Criteria: CeGaT Center For Human Genetics Tuebingen Variant Classification Criteria Version 2. Collection method: clinical testing. Allele origin: germline. Affected: yes. Observed: 1 variant allele.
Comment: ATM: PM2

Blueprint Genetics
Classification: Uncertain significance. Last evaluated: 2024-08-21. Review status: criteria provided, single submitter. Criteria: ACMG Guidelines, 2015. Collection method: clinical testing. Allele origin: germline.

Department of Pathology and Laboratory Medicine, Sinai Health System
Classification: Uncertain significance for Familial cancer of breast. Last evaluated: 2024-02-09. Review status: criteria provided, single submitter. Criteria: ACMG Guidelines, 2015. Collection method: clinical testing. Allele origin: germline. Affected: yes.

Quest Diagnostics Nichols Institute San Juan Capistrano
Classification: Uncertain significance. Last evaluated: 2024-01-02. Review status: criteria provided, single submitter. Criteria: Quest Diagnostics criteria. Collection method: clinical testing. Allele origin: unknown.

Baylor Genetics
Classification: Uncertain significance for Familial cancer of breast. Last evaluated: 2023-10-15. Review status: criteria provided, single submitter. Criteria: ACMG Guidelines, 2015. Collection method: clinical testing. Allele origin: unknown.

GeneDx
Classification: Likely pathogenic. Last evaluated: 2023-05-22. Review status: criteria provided, single submitter. Criteria: GeneDx Variant Classification Process June 2021. Collection method: clinical testing. Allele origin: germline. Affected: yes.
Comment: Not observed at significant frequency in large population cohorts (gnomAD); In silico analysis supports that this missense variant does not alter protein structure/function; Identified in individuals with breast or ovarian cancer (Hauke 2018, Singh 2018); This variant is associated with the following publications: (PMID: 17344846, 25344691, 22072542, 28263231, 29522266, 30287823, 31754145, 16461462, 24356096, 27043212, 27175599, 30814645, 30972172, 31740029, 29470806, 23532176, 26630574, 32522261)

Illumina Laboratory Services, Illumina
Classification: Uncertain significance for ATM-related disorders. Last evaluated: 2021-02-04. Review status: criteria provided, single submitter. Criteria: ICSLVariantClassificationCriteria RUGD 01 April 2020. Collection method: clinical testing. Allele origin: unknown.
Comment: The variant was absent from 2189 controls in the study but is reported at a frequency of 0.000011 in the Total population of the Genome Aggregation Database. Functional studies are not available and in silico tools provide conflicting predictions for this variant. Based on the limited evidence, the p.Arg2443Gln variant is classified as a variant of uncertain significance for ATM-related disorders.

Literature cited by the submitters: PubMed 29470806 (cited by 5 submitters); PubMed 29522266 (cited by 7 submitters); PubMed 32366930 (cited by 3 submitters); PubMed 37201465 (cited by Labcorp Genetics (formerly Invitae), Labcorp and Women's Health and Genetics/Laboratory Corporation of America, LabCorp); PubMed 38570878 (cited by 5 submitters); PubMed 38843839 (cited by Labcorp Genetics (formerly Invitae), Labcorp and Myriad Genetics, Inc.); PubMed 31248605 (cited by Women's Health and Genetics/Laboratory Corporation of America, LabCorp); PubMed 32522261 (cited by 3 submitters); PubMed 37438524 (cited by Women's Health and Genetics/Laboratory Corporation of America, LabCorp and Color Diagnostics, LLC DBA Color Health); PubMed 30287823 (cited by 3 submitters); PubMed 39521281 (cited by Natera, Inc.); PubMed 33471991 (cited by Department of Pathology and Laboratory Medicine, Sinai Health System); PubMed 31966388 (cited by Quest Diagnostics Nichols Institute San Juan Capistrano); PubMed 24356096 (cited by Quest Diagnostics Nichols Institute San Juan Capistrano); PubMed 27175599 (cited by Quest Diagnostics Nichols Institute San Juan Capistrano); PubMed 16461462 (cited by Quest Diagnostics Nichols Institute San Juan Capistrano); PubMed 26630574 (cited by Quest Diagnostics Nichols Institute San Juan Capistrano); PubMed 30814645 (cited by Quest Diagnostics Nichols Institute San Juan Capistrano); PubMed 31754145 (cited by Quest Diagnostics Nichols Institute San Juan Capistrano); PubMed 31740029 (cited by Quest Diagnostics Nichols Institute San Juan Capistrano).